The following is an entry in ClinVar:

NM_152365.3(KDF1):c.22C>T (p.Arg8Cys)

Gene: KDF1 (keratinocyte differentiation factor 1; minus strand). Cytogenetic location: 1p36.11.
Variant type: single nucleotide variant.
Coding change: c.22C>T on transcript NM_152365.3 (MANE Select); coding-DNA position 22, C replaced by T.
Protein change: p.Arg8Cys; replaces arginine 8 with cysteine.
Molecular consequence: missense variant.
Genome position (GRCh38, 1-based): chr1:26,952,359, G>A on the plus strand (C>T on the coding strand, the complement: KDF1 is on the minus strand). VCF-style: chr1-26952359-G-A. GRCh37 (hg19) VCF-style: chr1-27278850-G-A.
Other names: short protein forms R8C.
Identifiers: ClinVar variation 1810123 (VCV001810123.1), dbSNP rs565917289, ClinGen allele CA710411.

ClinVar aggregate classification (germline): Uncertain significance (1 of 4 stars; one submission).

Allele frequency attached by ClinVar (database versions not stated): gnomAD exomes 0.00001; ExAC 0.00002; gnomAD 0.00003; TOPMed 0.00003; 1000 Genomes Project 30x 0.00016; 1000 Genomes Project 0.00020.
gnomAD v4.1: 13 of 1,513,012 alleles (0.00086%); highest among the groups gnomAD compares: African/African-American, 0.007%; no homozygotes.

Submission:

GeneDx
Classification: Uncertain significance. Last evaluated: 2022-06-29. Review status: criteria provided, single submitter. Criteria: GeneDx Variant Classification Process June 2021. Collection method: clinical testing. Allele origin: germline. Affected: yes.
Comment: In silico analysis supports that this missense variant does not alter protein structure/function; Has not been previously published as pathogenic or benign to our knowledge